The following is an entry in ClinVar:

ClinVar aggregate classification (germline): Pathogenic (1 of 4 stars; one submission).

Submission:

GeneDx
Classification: Pathogenic. Last evaluated: 2025-05-01. Review status: criteria provided, single submitter. Criteria: GeneDx Variant Classification Process June 2021. Collection method: clinical testing. Allele origin: germline. Affected: yes.
Comment: Frameshift variant predicted to result in protein truncation or nonsense mediated decay in a gene for which loss of function is a known mechanism of disease; Not observed at significant frequency in large population cohorts (gnomAD); Has not been previously published as pathogenic or benign to our knowledge

NM_002641.4(PIGA):c.54_55del (p.Arg19fs)

Gene: PIGA (phosphatidylinositol glycan anchor biosynthesis class A; minus strand). Cytogenetic location: Xp22.2.
Variant type: Microsatellite.
Coding change: c.54_55del on transcript NM_002641.4 (MANE Select); coding-DNA positions 54 to 55, 2 bases deleted (TC; older notation c.54_55delTC).
Protein change: p.Arg19fs; shifts the reading frame from arginine 19.
Molecular consequence: frameshift variant. On other transcripts: non-coding transcript variant (4), intron variant (2).
Genome position (GRCh38, 1-based): chrX:15,331,876-15,331,877, GA deleted on the plus strand (TC on the coding strand, the reverse complement: PIGA is on the minus strand); deleting any 2 consecutive bases within chrX:15,331,876-15,331,882 gives the same sequence; the c. name uses the placement nearest the transcript's 3' end. VCF-style (leftmost placement, unchanged base first): chrX-15331875-CGA-C. GRCh37 (hg19) VCF-style: chrX-15349997-CGA-C.
Other names: c.54_55del (NM_002641.3); c.54_55del, p.Arg19fs (NM_001440789.1); c.49_50CT[2], p.Arg19Glyfs (NM_002641.3); c.13+3620TC[2] (NM_020473.3); c.14-3568TC[2] (NM_001440790.1); short protein forms R19fs.
Identifiers: ClinVar variation 4527977 (VCV004527977.1).